The following is an entry in ClinVar:

ClinVar aggregate classification (germline): Uncertain significance (1 of 4 stars; one submission).

Conditions:
Spondyloepimetaphyseal dysplasia with joint laxity (SEMDJL). Identifiers: MedGen C0432243, MONDO:0019675.
Ehlers-Danlos syndrome, spondylodysplastic type, 2 (EDSSPD2). Also called: Ehlers-Danlos syndrome, progeroid type, 2. Identifiers: Orphanet 536467, Orphanet 75496, MedGen C3809210, MONDO:0014139, OMIM 615349.

gnomAD v4.1: 2 of 999,744 alleles (0.0002%); highest among the groups gnomAD compares: Non-Finnish European, 0.00024%; no homozygotes.

Submission:

Labcorp Genetics (formerly Invitae), Labcorp
Classification: Uncertain significance for Ehlers-Danlos syndrome, spondylodysplastic type, 2; Spondyloepimetaphyseal dysplasia with joint laxity. Last evaluated: 2025-01-22. Review status: criteria provided, single submitter. Criteria: Invitae Variant Classification Sherloc (09022015). Collection method: clinical testing. Allele origin: germline.
Comment: This sequence change affects codon 56 of the B3GALT6 mRNA. It is a 'silent' change, meaning that it does not change the encoded amino acid sequence of the B3GALT6 protein. The frequency data for this variant in the population databases is considered unreliable, as metrics indicate insufficient coverage at this position in the gnomAD database. This variant has not been reported in the literature in individuals affected with B3GALT6-related conditions. In summary, the available evidence is currently insufficient to determine the role of this variant in disease. Therefore, it has been classified as a Variant of Uncertain Significance.

NM_080605.4(B3GALT6):c.168C>T (p.Ala56=)

Gene: B3GALT6 (beta-1,3-galactosyltransferase 6; plus strand). Cytogenetic location: 1p36.33.
Variant type: single nucleotide variant.
Coding change: c.168C>T on transcript NM_080605.4 (MANE Select); coding-DNA position 168, C replaced by T.
Protein change: p.Ala56=; no amino-acid change (alanine 56 retained).
Molecular consequence: synonymous variant.
Genome position (GRCh38, 1-based): chr1:1,232,446, C>T. VCF-style: chr1-1232446-C-T. GRCh37 (hg19) VCF-style: chr1-1167826-C-T.
Identifiers: ClinVar variation 3748386 (VCV003748386.2).
Genomic context (GRCh38, chr1:1,232,446, plus strand): 5'-CGGGGACCCCAGGGCGATGTCGGGCCGCAGCCCGCCTCCCCCCGCGCCCGCGCGCGCCGC[C>T]GCCTTCCTGGCAGTGCTGGTGGCCAGCGCGCCCCGCGCCGCCGAGCGCCGCAGCGTGATC-3'
Protein context (NP_542172.2, residues 46-66): SPPPPAPARA[Ala56=]AFLAVLVASA